The following is an entry in ClinVar:

NM_032578.4(MYPN):c.1195C>T (p.Pro399Ser)

Gene: MYPN (myopalladin; plus strand). Cytogenetic location: 10q21.3.
Variant type: single nucleotide variant.
Coding change: c.1195C>T on transcript NM_032578.4 (MANE Select); coding-DNA position 1195, C replaced by T.
Protein change: p.Pro399Ser; replaces proline 399 with serine.
Molecular consequence: missense variant. On other transcripts: non-coding transcript variant (2).
Genome position (GRCh38, 1-based): chr10:68,148,417, C>T. VCF-style: chr10-68148417-C-T. GRCh37 (hg19) VCF-style: chr10-69908174-C-T.
Other names: c.1195C>T, p.Pro399Ser (NM_001256267.2); c.313C>T, p.Pro105Ser (NM_001256268.2); short protein forms P105S, P399S.
Identifiers: ClinVar variation 4116164 (VCV004116164.1).
Genomic context (GRCh38, chr10:68,148,417, plus strand): 5'-CAGAAGCCAAATGAGGTGTCATCTCCTCCCACTACCTCTGCAGTCATTCCTCCAGCAGTA[C>T]CCCAAGCCCAGCATTTGGTGGCCCAACCTCGTGTGGCAACCATCCAGCAGGTACAAGAAT-3'
Protein context (NP_115967.2, residues 389-409): TTSAVIPPAV[Pro399Ser]QAQHLVAQPR

ClinVar aggregate classification (germline): Uncertain significance (1 of 4 stars; one submission).

Conditions:
Cardiovascular phenotype. Identifiers: MedGen CN230736.

Submission:

Ambry Genetics
Classification: Uncertain significance for Cardiovascular phenotype. Last evaluated: 2025-07-28. Review status: criteria provided, single submitter. Criteria: Ambry Variant Classification Scheme 2023. Collection method: clinical testing. Allele origin: germline.
Comment: The p.P399S variant (also known as c.1195C>T), located in coding exon 4 of the MYPN gene, results from a C to T substitution at nucleotide position 1195. The proline at codon 399 is replaced by serine, an amino acid with similar properties. This amino acid position is conserved. In addition, this alteration is predicted to be tolerated by in silico analysis. Based on the available evidence, the clinical significance of this variant remains unclear.